The following is an entry in ClinVar:

NM_005689.4(ABCB6):c.1988G>A (p.Arg663Gln)

Gene: ABCB6 (ATP binding cassette subfamily B member 6 (LAN blood group); minus strand). Cytogenetic location: 2q35.
Variant type: single nucleotide variant.
Coding change: c.1988G>A on transcript NM_005689.4 (MANE Select); coding-DNA position 1988, G replaced by A.
Protein change: p.Arg663Gln; replaces arginine 663 with glutamine.
Molecular consequence: missense variant.
Genome position (GRCh38, 1-based): chr2:219,211,089, C>T on the plus strand (G>A on the coding strand, the complement: ABCB6 is on the minus strand). VCF-style: chr2-219211089-C-T. GRCh37 (hg19) VCF-style: chr2-220075811-C-T.
Other names: c.1850G>A, p.Arg617Gln (NM_001349828.2); short protein forms R617Q, R663Q.
Identifiers: ClinVar variation 2984954 (VCV002984954.3), dbSNP rs747584957, ClinGen allele CA2119104.

ClinVar aggregate classification (germline): Uncertain significance (1 of 4 stars; one submission).

Allele frequency attached by ClinVar (database versions not stated): ExAC 0.00012; gnomAD 0.00001.
gnomAD v4.1: 43 of 1,613,962 alleles (0.0027%); highest among the groups gnomAD compares: Admixed American, 0.043%; no homozygotes.

Submission:

Labcorp Genetics (formerly Invitae), Labcorp
Classification: Uncertain significance. Last evaluated: 2025-04-08. Review status: criteria provided, single submitter. Criteria: Invitae Variant Classification Sherloc (09022015). Collection method: clinical testing. Allele origin: germline.
Comment: This sequence change replaces arginine, which is basic and polar, with glutamine, which is neutral and polar, at codon 663 of the ABCB6 protein (p.Arg663Gln). This variant is present in population databases (rs747584957, gnomAD 0.07%), and has an allele count higher than expected for a pathogenic variant. This variant has not been reported in the literature in individuals affected with ABCB6-related conditions. ClinVar contains an entry for this variant (Variation ID: 2984954). An algorithm developed to predict the effect of missense changes on protein structure and function (PolyPhen-2) suggests that this variant is likely to be disruptive. In summary, the available evidence is currently insufficient to determine the role of this variant in disease. Therefore, it has been classified as a Variant of Uncertain Significance.